The following is an entry in ClinVar:

NM_006509.4(RELB):c.135C>G (p.Leu45=)

Gene: RELB (RELB proto-oncogene, NF-kB subunit; plus strand). Cytogenetic location: 19q13.32.
Variant type: single nucleotide variant.
Coding change: c.135C>G on transcript NM_006509.4 (MANE Select); coding-DNA position 135, C replaced by G.
Protein change: p.Leu45=; no amino-acid change (leucine 45 retained).
Molecular consequence: synonymous variant.
Genome position (GRCh38, 1-based): chr19:45,002,977, C>G. VCF-style: chr19-45002977-C-G. GRCh37 (hg19) VCF-style: chr19-45506235-C-G.
Identifiers: ClinVar variation 1587060 (VCV001587060.33), dbSNP rs777676760, ClinGen allele CA9507436.

ClinVar aggregate classification (germline): Likely benign. Review status: criteria provided, multiple submitters, no conflicts (2 of 4 stars). 3 submissions from 3 submitters: Likely benign (3). Last evaluated 2025-12-29.

Allele frequency attached by ClinVar (database versions not stated): TOPMed 0.00009; gnomAD exomes 0.00012; ExAC 0.00016.
gnomAD v4.1: 436 of 1,613,352 alleles (0.027%); highest among the groups gnomAD compares: Non-Finnish European, 0.036%; no homozygotes.

Submissions (3):

Labcorp Genetics (formerly Invitae), Labcorp
Classification: Likely benign. Last evaluated: 2025-12-29. Review status: criteria provided, single submitter. Criteria: Invitae Variant Classification Sherloc (09022015). Collection method: clinical testing. Allele origin: germline.

Blueprint Genetics
Classification: Likely benign. Last evaluated: 2024-09-02. Review status: criteria provided, single submitter. Criteria: ACMG Guidelines, 2015. Collection method: clinical testing. Allele origin: germline.

CeGaT Center for Human Genetics Tuebingen
Classification: Likely benign. Last evaluated: 2022-04-01. Review status: criteria provided, single submitter. Criteria: CeGaT Center For Human Genetics Tuebingen Variant Classification Criteria Version 2. Collection method: clinical testing. Allele origin: germline. Affected: yes. Observed: 1 variant allele.
Comment: RELB: BP4, BP7